The following is an entry in ClinVar:

ClinVar aggregate classification (germline): Uncertain significance (1 of 4 stars; one submission).

Submission:

CeGaT Center for Human Genetics Tuebingen
Classification: Uncertain significance. Last evaluated: 2026-04-01. Review status: criteria provided, single submitter. Criteria: CeGaT Center For Human Genetics Tuebingen Variant Classification Criteria Version 2. Collection method: clinical testing. Allele origin: germline. Affected: yes. Observed: 1 variant allele.
Comment: TTN: PM2

NM_001267550.2(TTN):c.92087C>A (p.Ala30696Glu)

Genes: TTN (titin; minus strand), TTN-AS1 (TTN antisense RNA 1; plus strand). Cytogenetic location: 2q31.2.
Variant type: single nucleotide variant.
Coding change: c.92087C>A on transcript NM_001267550.2 (MANE Select); coding-DNA position 92087, C replaced by A.
Protein change: p.Ala30696Glu; replaces alanine 30696 with glutamic acid.
Molecular consequence: missense variant.
Genome position (GRCh38, 1-based): chr2:178,549,635, G>T on the plus strand (C>A on the coding strand, the complement: TTN is on the minus strand). VCF-style: chr2-178549635-G-T. GRCh37 (hg19) VCF-style: chr2-179414362-G-T.
Other names: c.87164C>A, p.Ala29055Glu (NM_001256850.1); c.64892C>A, p.Ala21631Glu (NM_003319.4); c.84383C>A, p.Ala28128Glu (NM_133378.4); c.65267C>A, p.Ala21756Glu (NM_133432.3); c.65468C>A, p.Ala21823Glu (NM_133437.4); short protein forms A21631E, A21756E, A21823E, A28128E, A29055E, A30696E.
Identifiers: ClinVar variation 4874283 (VCV004874283.2).
Genomic context (GRCh38, chr2:178,549,635, plus strand): 5'-TGTATTTGAGCAACCACTGGATCAGAATCAAGTGGCCTGCCAACACCAAACTTGTTAACT[G>T]CAGAAACACGGAATTGGTATTCATTGCCGTTTATTAGTTTAATGGCAGTGTAACTTTGGG-3'
Protein context (NP_001254479.2, residues 30686-30706): NGNEYQFRVS[Ala30696Glu]VNKFGVGRPL